The following is an entry in ClinVar:

NM_004714.3(DYRK1B):c.955-10C>T

Gene: DYRK1B (dual specificity tyrosine phosphorylation regulated kinase 1B; minus strand). Cytogenetic location: 19q13.2.
Variant type: single nucleotide variant.
Coding change: c.955-10C>T on transcript NM_004714.3 (MANE Select); 10 bases into the intron before coding-DNA position 955, C replaced by T.
Molecular consequence: intron variant.
Genome position (GRCh38, 1-based): chr19:39,827,435, G>A on the plus strand (C>T on the coding strand, the complement: DYRK1B is on the minus strand). VCF-style: chr19-39827435-G-A. GRCh37 (hg19) VCF-style: chr19-40318075-G-A.
Other names: c.955-10C>T (NM_006483.3, NM_006484.3).
Identifiers: ClinVar variation 3349400 (VCV003349400.1).

ClinVar aggregate classification (germline): Likely benign (0 of 4 stars; one submission).

Conditions:
DYRK1B-related disorder. Also called: DYRK1B-related condition.

Submission:

PreventionGenetics, part of Exact Sciences
Classification: Likely benign for DYRK1B-related condition. Last evaluated: 2024-01-31. Review status: no assertion criteria provided. Collection method: clinical testing. Allele origin: germline.
Comment: This variant is classified as likely benign based on ACMG/AMP sequence variant interpretation guidelines (Richards et al. 2015 PMID: 25741868, with internal and published modifications).